The following is an entry in ClinVar:

ClinVar aggregate classification (germline): Uncertain significance (1 of 4 stars; one submission).

Conditions:
Malignant hyperthermia, susceptibility to, 5 (MHS5). Also called: CACNA1S-Related Malignant Hyperthermia Susceptibility. Identifiers: Orphanet 423, MedGen C1866077, MONDO:0011163, OMIM 601887.
Hypokalemic periodic paralysis, type 1. Also called: HypoPP; Hypokalemic Periodic Paralysis Type 1 (AD). Identifiers: Orphanet 681, MedGen C3714580, MONDO:0042979, OMIM 170400.

Allele frequency attached by ClinVar (database versions not stated): gnomAD exomes below 0.00001.
gnomAD v4.1: 1 of 1,614,190 alleles (0.000062%); highest among the groups gnomAD compares: Non-Finnish European, 0.000085%; no homozygotes.

Submission:

Labcorp Genetics (formerly Invitae), Labcorp
Classification: Uncertain significance for Hypokalemic periodic paralysis, type 1; Malignant hyperthermia, susceptibility to, 5. Last evaluated: 2021-12-01. Review status: criteria provided, single submitter. Criteria: Invitae Variant Classification Sherloc (09022015). Collection method: clinical testing. Allele origin: germline.
Comment: This sequence change replaces arginine, which is basic and polar, with lysine, which is basic and polar, at codon 1491 of the CACNA1S protein (p.Arg1491Lys). This variant is not present in population databases (gnomAD no frequency). This variant has not been reported in the literature in individuals affected with CACNA1S-related conditions. Advanced modeling of protein sequence and biophysical properties (such as structural, functional, and spatial information, amino acid conservation, physicochemical variation, residue mobility, and thermodynamic stability) performed at Invitae indicates that this missense variant is not expected to disrupt CACNA1S protein function. In summary, the available evidence is currently insufficient to determine the role of this variant in disease. Therefore, it has been classified as a Variant of Uncertain Significance.

NM_000069.3(CACNA1S):c.4472G>A (p.Arg1491Lys)

Gene: CACNA1S (calcium voltage-gated channel subunit alpha1 S; minus strand). Cytogenetic location: 1q32.1.
Variant type: single nucleotide variant.
Coding change: c.4472G>A on transcript NM_000069.3 (MANE Select); coding-DNA position 4472, G replaced by A.
Protein change: p.Arg1491Lys; replaces arginine 1491 with lysine.
Molecular consequence: missense variant.
Genome position (GRCh38, 1-based): chr1:201,047,596, C>T on the plus strand (G>A on the coding strand, the complement: CACNA1S is on the minus strand). VCF-style: chr1-201047596-C-T. GRCh37 (hg19) VCF-style: chr1-201016724-C-T.
Other names: short protein forms R1491K.
Identifiers: ClinVar variation 1523648 (VCV001523648.3), dbSNP rs2102553652, ClinGen allele CA344143349.